The following is an entry in ClinVar:

NC_000009.11:g.(?_77112893)_(77502772_?)dup

Genes: RORB (RAR related orphan receptor B; plus strand), TRPM6 (transient receptor potential cation channel subfamily M member 6; minus strand). Cytogenetic location: 9q21.13.
Variant type: Duplication.
Identifiers: ClinVar variation 1449952 (VCV001449952.5).

ClinVar aggregate classification (germline): Uncertain significance (1 of 4 stars; one submission).

Submission:

Labcorp Genetics (formerly Invitae), Labcorp
Classification: Uncertain significance. Last evaluated: 2022-07-26. Review status: criteria provided, single submitter. Criteria: Invitae Variant Classification Sherloc (09022015). Collection method: clinical testing. Allele origin: germline.
Comment: A copy number gain of the genomic region encompassing the full coding sequence of the RORB gene has been identified. The boundaries of this event are unknown as they extend beyond the assayed region for this gene and therefore may encompass additional genes. As the precise location of this event is unknown, it may be in tandem or it may be located elsewhere in the genome. This variant has not been reported in the literature in individuals affected with RORB-related conditions. In summary, the available evidence is currently insufficient to determine the role of this variant in disease. Therefore, it has been classified as a Variant of Uncertain Significance.